The following is an entry in ClinVar:

NM_053025.4(MYLK):c.5494A>T (p.Ile1832Phe)

Genes: MYLK (myosin light chain kinase; minus strand), MYLK-AS1 (MYLK antisense RNA 1; plus strand). Cytogenetic location: 3q21.1.
Variant type: single nucleotide variant.
Coding change: c.5494A>T on transcript NM_053025.4 (MANE Select); coding-DNA position 5494, A replaced by T.
Protein change: p.Ile1832Phe; replaces isoleucine 1832 with phenylalanine.
Molecular consequence: missense variant.
Genome position (GRCh38, 1-based): chr3:123,618,645, T>A on the plus strand (A>T on the coding strand, the complement: MYLK is on the minus strand). VCF-style: chr3-123618645-T-A. GRCh37 (hg19) VCF-style: chr3-123337492-T-A.
Other names: c.4966A>T, p.Ile1656Phe (NM_001321309.2); c.5287A>T, p.Ile1763Phe (NM_053026.4); c.5341A>T, p.Ile1781Phe (NM_053027.4); c.5134A>T, p.Ile1712Phe (NM_053028.4); c.211A>T, p.Ile71Phe (NM_053031.4); c.214A>T, p.Ile72Phe (NM_053032.4); short protein forms I1712F, I1763F, I1781F, I1832F, I72F, I1656F, I71F.
Identifiers: ClinVar variation 2013951 (VCV002013951.4), dbSNP rs2472829900, ClinGen allele CA354230805.

ClinVar aggregate classification (germline): Uncertain significance (1 of 4 stars; one submission).

Conditions:
Aortic aneurysm, familial thoracic 7 (AAT7). Also called: AORTIC DISSECTION, FAMILIAL, WITH OR WITHOUT AORTIC ANEURYSM. Identifiers: MedGen C3151077, MONDO:0013418, OMIM 613780.

Submission:

Labcorp Genetics (formerly Invitae), Labcorp
Classification: Uncertain significance for Aortic aneurysm, familial thoracic 7. Last evaluated: 2022-07-04. Review status: criteria provided, single submitter. Criteria: Invitae Variant Classification Sherloc (09022015). Collection method: clinical testing. Allele origin: germline.
Comment: In summary, the available evidence is currently insufficient to determine the role of this variant in disease. Therefore, it has been classified as a Variant of Uncertain Significance. Advanced modeling of protein sequence and biophysical properties (such as structural, functional, and spatial information, amino acid conservation, physicochemical variation, residue mobility, and thermodynamic stability) performed at Invitae indicates that this missense variant is not expected to disrupt MYLK protein function. This variant has not been reported in the literature in individuals affected with MYLK-related conditions. This sequence change replaces isoleucine, which is neutral and non-polar, with phenylalanine, which is neutral and non-polar, at codon 1832 of the MYLK protein (p.Ile1832Phe). This variant is not present in population databases (gnomAD no frequency).